The following is an entry in ClinVar:

ClinVar aggregate classification (germline): Uncertain significance (1 of 4 stars; one submission).

Conditions:
RPGRIP1L-related disorder. Also called: RPGRIP1L-related disorders; RPGRIP1L-related condition. Identifiers: MedGen CN239416.

Submission:

PreventionGenetics, part of Exact Sciences
Classification: Uncertain significance for RPGRIP1L-related condition. Last evaluated: 2026-07-22. Review status: criteria provided, single submitter. Criteria: ACMG Guidelines, 2015. Collection method: clinical testing. Allele origin: germline.
Comment: The RPGRIP1L c.3734A>G variant is predicted to result in the amino acid substitution p.Glu1245Gly. To our knowledge, this variant has not been reported in the literature or in a large population database (gnomAD), indicating this variant is rare. At this time, the clinical significance of this variant is uncertain due to the absence of conclusive functional and genetic evidence.

NM_015272.5(RPGRIP1L):c.3734A>G (p.Glu1245Gly)

Gene: RPGRIP1L (RPGRIP1 like; minus strand). Cytogenetic location: 16q12.2.
Variant type: single nucleotide variant.
Coding change: c.3734A>G on transcript NM_015272.5 (MANE Select); coding-DNA position 3734, A replaced by G.
Protein change: p.Glu1245Gly; replaces glutamic acid 1245 with glycine.
Molecular consequence: missense variant.
Genome position (GRCh38, 1-based): chr16:53,605,582, T>C on the plus strand (A>G on the coding strand, the complement: RPGRIP1L is on the minus strand). VCF-style: chr16-53605582-T-C. GRCh37 (hg19) VCF-style: chr16-53639494-T-C.
Other names: c.3494A>G, p.Glu1165Gly (NM_001127897.4); c.3596A>G, p.Glu1199Gly (NM_001308334.3); c.3632A>G, p.Glu1211Gly (NM_001330538.2); short protein forms E1165G, E1245G, E1199G, E1211G.
Identifiers: ClinVar variation 4996359 (VCV004996359.1).